The following is an entry in ClinVar:

NM_000089.4(COL1A2):c.3667A>G (p.Lys1223Glu)

Gene: COL1A2 (collagen type I alpha 2 chain; plus strand). Cytogenetic location: 7q21.3.
Variant type: single nucleotide variant.
Coding change: c.3667A>G on transcript NM_000089.4 (MANE Select); coding-DNA position 3667, A replaced by G.
Protein change: p.Lys1223Glu; replaces lysine 1223 with glutamic acid.
Molecular consequence: missense variant.
Genome position (GRCh38, 1-based): chr7:94,428,433, A>G. VCF-style: chr7-94428433-A-G. GRCh37 (hg19) VCF-style: chr7-94057745-A-G.
Other names: short protein forms K1223E.
Identifiers: ClinVar variation 1314064 (VCV001314064.2), dbSNP rs1300326463, ClinGen allele CA368226476.

ClinVar aggregate classification (germline): Uncertain significance (1 of 4 stars; one submission).

Allele frequency attached by ClinVar (database versions not stated): gnomAD exomes below 0.00001.
gnomAD v4.1: 1 of 1,614,162 alleles (0.000062%); highest among the groups gnomAD compares: South Asian, 0.0011%; no homozygotes.

Submission:

GeneDx
Classification: Uncertain significance. Last evaluated: 2021-01-15. Review status: criteria provided, single submitter. Criteria: GeneDx Variant Classification Process June 2021. Collection method: clinical testing. Allele origin: germline. Affected: yes.
Comment: Has not been previously published as pathogenic or benign to our knowledge; Not observed at a significant frequency in large population cohorts (Lek et al., 2016); In silico analysis supports that this missense variant does not alter protein structure/function